The following is an entry in ClinVar:

ClinVar aggregate classification (germline): Uncertain significance. Review status: criteria provided, multiple submitters, no conflicts (2 of 4 stars). 2 submissions from 2 submitters: Uncertain significance (2). Last evaluated 2020-05-18.

Allele frequency attached by ClinVar (database versions not stated): gnomAD exomes below 0.00001; ExAC 0.00001.
gnomAD v4.1: 2 of 1,614,044 alleles (0.00012%); highest among the groups gnomAD compares: Non-Finnish European, 0.00017%; no homozygotes.

Submissions (2):

Women's Health and Genetics/Laboratory Corporation of America, LabCorp
Classification: Uncertain significance. Last evaluated: 2020-05-18. Review status: criteria provided, single submitter. Criteria: LabCorp Variant Classification Summary - May 2015. Collection method: clinical testing. Allele origin: germline.
Comment: Variant summary: CBL c.347G>T (p.Arg116Met) results in a non-conservative amino acid change located in the N-terminal helical domain (IPR003153) and PTB domain (IPR024159) of the encoded protein sequence. Four of five in-silico tools predict a damaging effect of the variant on protein function. The variant allele was found at a frequency of 4e-06 in 251424 control chromosomes (gnomAD). The available data on variant occurrences in the general population are insufficient to allow any conclusion about variant significance. To our knowledge, no occurrence of c.347G>T in individuals affected with Noonan Syndrome And Related Conditions and no experimental evidence demonstrating its impact on protein function have been reported. No clinical diagnostic laboratories have submitted clinical-significance assessments for this variant to ClinVar after 2014. Based on the evidence outlined above, the variant was classified as uncertain significance.

GeneDx
Classification: Uncertain significance. Last evaluated: 2019-06-16. Review status: criteria provided, single submitter. Criteria: GeneDx Variant Classification Process June 2021. Collection method: clinical testing. Allele origin: germline. Affected: yes.
Comment: In silico analysis, which includes protein predictors and evolutionary conservation, supports a deleterious effect; Has not been previously published as pathogenic or benign to our knowledge

NM_005188.4(CBL):c.347G>T (p.Arg116Met)

Gene: CBL (Cbl proto-oncogene; plus strand). Cytogenetic location: 11q23.3.
Variant type: single nucleotide variant.
Coding change: c.347G>T on transcript NM_005188.4 (MANE Select); coding-DNA position 347, G replaced by T.
Protein change: p.Arg116Met; replaces arginine 116 with methionine.
Molecular consequence: missense variant.
Genome position (GRCh38, 1-based): chr11:119,232,599, G>T. VCF-style: chr11-119232599-G-T. GRCh37 (hg19) VCF-style: chr11-119103309-G-T.
Other names: short protein forms R116M.
Identifiers: ClinVar variation 932225 (VCV000932225.3), dbSNP rs748412298, ClinGen allele CA6318253.